The following is an entry in ClinVar:

NM_001184.4(ATR):c.1237T>C (p.Cys413Arg)

Gene: ATR (ATR checkpoint kinase; minus strand). Cytogenetic location: 3q23.
Variant type: single nucleotide variant.
Coding change: c.1237T>C on transcript NM_001184.4 (MANE Select); coding-DNA position 1237, T replaced by C.
Protein change: p.Cys413Arg; replaces cysteine 413 with arginine.
Molecular consequence: missense variant.
Genome position (GRCh38, 1-based): chr3:142,561,355, A>G on the plus strand (T>C on the coding strand, the complement: ATR is on the minus strand). VCF-style: chr3-142561355-A-G. GRCh37 (hg19) VCF-style: chr3-142280197-A-G.
Other names: c.1237T>C, p.Cys413Arg (NM_001354579.2); short protein forms C413R.
Identifiers: ClinVar variation 2567783 (VCV002567783.2), dbSNP rs2473421721, ClinGen allele CA354823353.

ClinVar aggregate classification (germline): Uncertain significance (1 of 4 stars; one submission).

Conditions:
Inborn genetic diseases. Identifiers: MedGen C0950123, MeSH D030342.

Allele frequency attached by ClinVar (database versions not stated): gnomAD exomes below 0.00001.
gnomAD v4.1: 1 of 1,614,108 alleles (0.000062%); highest among the groups gnomAD compares: Non-Finnish European, 0.000085%; no homozygotes.

Submission:

Ambry Genetics
Classification: Uncertain significance for Inborn genetic diseases. Last evaluated: 2023-03-22. Review status: criteria provided, single submitter. Criteria: Ambry Variant Classification Scheme 2023. Collection method: clinical testing. Allele origin: germline.
Comment: The p.C413R variant (also known as c.1237T>C), located in coding exon 5 of the ATR gene, results from a T to C substitution at nucleotide position 1237. The cysteine at codon 413 is replaced by arginine, an amino acid with highly dissimilar properties. This amino acid position is conserved. In addition, this alteration is predicted to be tolerated by in silico analysis. Since supporting evidence is limited at this time, the clinical significance of this alteration remains unclear.